The following is an entry in ClinVar:

NM_017636.4(TRPM4):c.1163C>T (p.Ser388Leu)

Gene: TRPM4 (transient receptor potential cation channel subfamily M member 4; plus strand). Cytogenetic location: 19q13.33.
Variant type: single nucleotide variant.
Coding change: c.1163C>T on transcript NM_017636.4 (MANE Select); coding-DNA position 1163, C replaced by T.
Protein change: p.Ser388Leu; replaces serine 388 with leucine.
Molecular consequence: missense variant. On other transcripts: 5 prime UTR variant (1), intron variant (1).
Genome position (GRCh38, 1-based): chr19:49,181,361, C>T. VCF-style: chr19-49181361-C-T. GRCh37 (hg19) VCF-style: chr19-49684618-C-T.
Other names: c.1163C>T, p.Ser388Leu (NM_001195227.2); c.818C>T, p.Ser273Leu (NM_001321281.2); c.-391C>T (NM_001321282.2); c.641C>T, p.Ser214Leu (NM_001321283.2); c.202-1217C>T (NM_001321285.2); short protein forms S273L, S214L, S388L.
Identifiers: ClinVar variation 663578 (VCV000663578.8), dbSNP rs771887682, ClinGen allele CA9569112.

ClinVar aggregate classification (germline): Uncertain significance. Review status: criteria provided, multiple submitters, no conflicts (2 of 4 stars). 2 submissions from 2 submitters: Uncertain significance (2). Last evaluated 2025-12-26.

Conditions:
Cardiovascular phenotype. Identifiers: MedGen CN230736.
Progressive familial heart block type IB (PFHB1B). Identifiers: Orphanet 871, MedGen C1970298, MONDO:0011474, OMIM 604559.

Allele frequency attached by ClinVar (database versions not stated): gnomAD 0.00001; gnomAD exomes 0.00002 and 0.00004; ExAC 0.00004; TOPMed 0.00004.
gnomAD v4.1: 35 of 1,613,594 alleles (0.0022%); highest among the groups gnomAD compares: Admixed American, 0.018%; no homozygotes.

Submissions (2):

Labcorp Genetics (formerly Invitae), Labcorp
Classification: Uncertain significance for Progressive familial heart block type IB. Last evaluated: 2025-12-26. Review status: criteria provided, single submitter. Criteria: Invitae Variant Classification Sherloc (09022015). Collection method: clinical testing. Allele origin: germline.
Comment: This sequence change replaces serine, which is neutral and polar, with leucine, which is neutral and non-polar, at codon 388 of the TRPM4 protein (p.Ser388Leu). This variant is present in population databases (rs771887682, gnomAD 0.03%). This variant has not been reported in the literature in individuals affected with TRPM4-related conditions. ClinVar contains an entry for this variant (Variation ID: 663578). An algorithm developed to predict the effect of missense changes on protein structure and function (PolyPhen-2) suggests that this variant is likely to be tolerated. In summary, the available evidence is currently insufficient to determine the role of this variant in disease. Therefore, it has been classified as a Variant of Uncertain Significance.

Ambry Genetics
Classification: Uncertain significance for Cardiovascular phenotype. Last evaluated: 2023-10-08. Review status: criteria provided, single submitter. Criteria: Ambry Variant Classification Scheme 2023. Collection method: clinical testing. Allele origin: germline.
Comment: The p.S388L variant (also known as c.1163C>T), located in coding exon 10 of the TRPM4 gene, results from a C to T substitution at nucleotide position 1163. The serine at codon 388 is replaced by leucine, an amino acid with dissimilar properties. This amino acid position is well conserved in available vertebrate species; however, leucine is the reference amino acid in other vertebrate species. In addition, this alteration is predicted to be tolerated by in silico analysis. Since supporting evidence is limited at this time, the clinical significance of this alteration remains unclear.